The following is an entry in ClinVar:

NM_000370.3(TTPA):c.421G>T (p.Glu141Ter)

Gene: TTPA (alpha tocopherol transfer protein; minus strand). Cytogenetic location: 8q12.3.
Variant type: single nucleotide variant.
Coding change: c.421G>T on transcript NM_000370.3 (MANE Select); coding-DNA position 421, G replaced by T.
Protein change: p.Glu141Ter; replaces glutamic acid 141 with a stop codon.
Molecular consequence: nonsense.
Genome position (GRCh38, 1-based): chr8:63,066,035, C>A on the plus strand (G>T on the coding strand, the complement: TTPA is on the minus strand). VCF-style: chr8-63066035-C-A. GRCh37 (hg19) VCF-style: chr8-63978594-C-A.
Other names: short protein forms E141*.
Identifiers: ClinVar variation 1452965 (VCV001452965.6), dbSNP rs397515524, ClinGen allele CA371332847.

ClinVar aggregate classification (germline): Pathogenic (1 of 4 stars; one submission).

gnomAD v4.1: 6 of 1,613,876 alleles (0.00037%); highest among the groups gnomAD compares: Non-Finnish European, 0.00051%; no homozygotes.

Submission:

Labcorp Genetics (formerly Invitae), Labcorp
Classification: Pathogenic. Last evaluated: 2021-01-01. Review status: criteria provided, single submitter. Criteria: Invitae Variant Classification Sherloc (09022015). Collection method: clinical testing. Allele origin: germline.
Comment: For these reasons, this variant has been classified as Pathogenic. This variant has not been reported in the literature in individuals with TTPA-related conditions. This variant is not present in population databases (ExAC no frequency). This sequence change creates a premature translational stop signal (p.Glu141*) in the TTPA gene. It is expected to result in an absent or disrupted protein product. Loss-of-function variants in TTPA are known to be pathogenic (PMID: 9463307, 26068213).

Literature cited by the submitters: PubMed 9463307; PubMed 26068213.